The following is an entry in ClinVar:

ClinVar aggregate classification (germline): Uncertain significance (1 of 4 stars; one submission).

Conditions:
Tuberous sclerosis 2 (TSC2). Identifiers: Orphanet 805, MedGen C1860707, MONDO:0013199, OMIM 613254.

Submission:

Labcorp Genetics (formerly Invitae), Labcorp
Classification: Uncertain significance for Tuberous sclerosis 2. Last evaluated: 2022-06-21. Review status: criteria provided, single submitter. Criteria: Invitae Variant Classification Sherloc (09022015). Collection method: clinical testing. Allele origin: germline.
Comment: In summary, the available evidence is currently insufficient to determine the role of this variant in disease. Therefore, it has been classified as a Variant of Uncertain Significance. Variants that disrupt the consensus splice site are a relatively common cause of aberrant splicing (PMID: 17576681, 9536098). Algorithms developed to predict the effect of sequence changes on RNA splicing suggest that this variant may create or strengthen a splice site. This variant has not been reported in the literature in individuals affected with TSC2-related conditions. This variant is not present in population databases (gnomAD no frequency). This sequence change falls in intron 38 of the TSC2 gene. It does not directly change the encoded amino acid sequence of the TSC2 protein. It affects a nucleotide within the consensus splice site.

Literature cited by the submitters: PubMed 17576681; PubMed 9536098.

NM_000548.5(TSC2):c.4989+5G>C

Gene: TSC2 (TSC complex subunit 2; plus strand). Cytogenetic location: 16p13.3.
Variant type: single nucleotide variant.
Coding change: c.4989+5G>C on transcript NM_000548.5 (MANE Select); 5 bases into the intron after coding-DNA position 4989, G replaced by C.
Molecular consequence: intron variant.
Genome position (GRCh38, 1-based): chr16:2,086,876, G>C. VCF-style: chr16-2086876-G-C. GRCh37 (hg19) VCF-style: chr16-2136877-G-C.
Other names: c.4920+5G>C (NM_001114382.3); c.4860+5G>C (NM_021055.3, NM_001370405.1); c.4791+5G>C (NM_001363528.2); c.4857+5G>C (NM_001370404.1); c.4788+5G>C (NM_001077183.3); c.4680+5G>C (NM_001318827.2); c.4257+5G>C (NM_001318831.2); c.4644+5G>C (NM_001318829.2); and 1 more.
Identifiers: ClinVar variation 2076521 (VCV002076521.4), dbSNP rs1057522671, ClinGen allele CA2580091101.